The following is an entry in ClinVar:

NM_000101.4(CYBA):c.528G>C (p.Ala176=)

Gene: CYBA (cytochrome b-245 alpha chain; minus strand). Cytogenetic location: 16q24.2.
Variant type: single nucleotide variant.
Coding change: c.528G>C on transcript NM_000101.4 (MANE Select); coding-DNA position 528, G replaced by C.
Protein change: p.Ala176=; no amino-acid change (alanine 176 retained).
Molecular consequence: synonymous variant.
Genome position (GRCh38, 1-based): chr16:88,643,413, C>G on the plus strand (G>C on the coding strand, the complement: CYBA is on the minus strand). VCF-style: chr16-88643413-C-G. GRCh37 (hg19) VCF-style: chr16-88709821-C-G.
Other names: c.528G>C (NM_000101.3).
Identifiers: ClinVar variation 1664240 (VCV001664240.10), dbSNP rs762277251, ClinGen allele CA497362105.

ClinVar aggregate classification (germline): Likely benign. Review status: criteria provided, single submitter (1 of 4 stars). 2 submissions from 2 submitters: Likely benign (1). 1 of the submissions does not count toward it. Last evaluated 2023-07-26.

Conditions:
Granulomatous disease, chronic, autosomal recessive, cytochrome b-negative. Also called: CYBA DEFICIENCY; CGD DUE TO DEFICIENCY OF THE ALPHA SUBUNIT OF CYTOCHROME b; CGD, AUTOSOMAL RECESSIVE CYTOCHROME b-NEGATIVE; GRANULOMATOUS DISEASE, CHRONIC, AUTOSOMAL RECESSIVE, 4; Chronic granulomatous disease, autosomal, due to deficiency of CYBA. Identifiers: Orphanet 379, MedGen C1856255, MONDO:0009308, OMIM 233690.
CYBA-related disorder. Also called: CYBA-related condition.

gnomAD v4.1: 1 of 1,534,092 alleles (0.000065%); highest among the groups gnomAD compares: South Asian, 0.0012%; no homozygotes.

Submissions (2):

Labcorp Genetics (formerly Invitae), Labcorp
Classification: Likely benign for Granulomatous disease, chronic, autosomal recessive, cytochrome b-negative. Last evaluated: 2023-07-26. Review status: criteria provided, single submitter. Criteria: Invitae Variant Classification Sherloc (09022015). Collection method: clinical testing. Allele origin: germline.

PreventionGenetics, part of Exact Sciences
Classification: Likely benign for CYBA-related condition. Last evaluated: 2020-06-05. Review status: no assertion criteria provided. Collection method: clinical testing. Allele origin: germline. Not counted in ClinVar's aggregate classification.
Comment: This variant is classified as likely benign based on ACMG/AMP sequence variant interpretation guidelines (Richards et al. 2015 PMID: 25741868, with internal and published modifications).